The following is an entry in ClinVar:

NM_001184880.2(PCDH19):c.565G>T (p.Glu189Ter)

Gene: PCDH19 (protocadherin 19; minus strand). Cytogenetic location: Xq22.1.
Variant type: single nucleotide variant.
Coding change: c.565G>T on transcript NM_001184880.2 (MANE Select); coding-DNA position 565, G replaced by T.
Protein change: p.Glu189Ter; replaces glutamic acid 189 with a stop codon.
Molecular consequence: nonsense.
Genome position (GRCh38, 1-based): chrX:100,408,033, C>A on the plus strand (G>T on the coding strand, the complement: PCDH19 is on the minus strand). VCF-style: chrX-100408033-C-A. GRCh37 (hg19) VCF-style: chrX-99663031-C-A.
Other names: c.565G>T, p.Glu189Ter (NM_001105243.2, NM_020766.3); short protein forms E189*.
Identifiers: ClinVar variation 816990 (VCV000816990.2), dbSNP rs1602637696, ClinGen allele CA414009290.

ClinVar aggregate classification (germline): Pathogenic/Likely pathogenic. Review status: criteria provided, multiple submitters, no conflicts (2 of 4 stars). 2 submissions from 2 submitters: Pathogenic (1); Likely pathogenic (1). Last evaluated 2020-02-14.

Conditions:
Developmental and epileptic encephalopathy, 9 (DEE9). Also called: EPILEPSY, FEMALE-RESTRICTED, WITH MENTAL RETARDATION; JUBERG-HELLMAN SYNDROME; PCDH19-Related X-Linked Female-Limited Epilepsy with Mental Retardation; Early infantile epileptic encephalopathy 9. Identifiers: Orphanet 101039, Orphanet 2076, MedGen C1848137, MONDO:0010246, OMIM 300088. Disease mechanism: loss of function.

Submissions (2):

Laboratory of Inherited Metabolic Diseases, Research centre for medical genetics
Classification: Pathogenic for Developmental and epileptic encephalopathy, 9. Last evaluated: 2020-02-14. Review status: criteria provided, single submitter. Criteria: ACMG Guidelines, 2015. Collection method: clinical testing. Allele origin: unknown. Inheritance: Sex-limited autosomal dominant. Affected: yes.

GeneDx
Classification: Likely pathogenic. Last evaluated: 2019-03-13. Review status: criteria provided, single submitter. Criteria: GeneDx Variant Classification (06012015). Collection method: clinical testing. Allele origin: germline. Affected: yes.
Comment: The E189X variant has not been previously published as pathogenic or benign to our knowledge. The E189X nonsense variant is predicted to cause loss of normal protein function either through protein truncation or nonsense-mediated mRNA decay. This variant is not observed in large population cohorts (Lek et al., 2016). Therefore, this variant is likely pathogenic; however, the possibility that it is benign cannot be excluded.